The following is an entry in ClinVar:

NM_015512.5(DNAH1):c.2350C>T (p.Leu784Phe)

Gene: DNAH1 (dynein axonemal heavy chain 1; plus strand). Cytogenetic location: 3p21.1.
Variant type: single nucleotide variant.
Coding change: c.2350C>T on transcript NM_015512.5 (MANE Select); coding-DNA position 2350, C replaced by T.
Protein change: p.Leu784Phe; replaces leucine 784 with phenylalanine.
Molecular consequence: missense variant.
Genome position (GRCh38, 1-based): chr3:52,349,244, C>T. VCF-style: chr3-52349244-C-T. GRCh37 (hg19) VCF-style: chr3-52383260-C-T.
Other names: c.2350C>T (NM_015512.4); short protein forms L784F.
Identifiers: ClinVar variation 1366408 (VCV001366408.9), dbSNP rs147836376, ClinGen allele CA2433235.

ClinVar aggregate classification (germline): Uncertain significance. Review status: criteria provided, multiple submitters, no conflicts (2 of 4 stars). 2 submissions from 2 submitters: Uncertain significance (2). Last evaluated 2025-04-17.

Conditions:
Spermatogenic failure 18. Identifiers: MedGen C4539783, MONDO:0054615, OMIM 617576.
Ciliary dyskinesia, primary, 37 (CILD37). Also called: CILIARY DYSKINESIA, PRIMARY, 37, WITH OR WITHOUT SITUS INVERSUS. Identifiers: MedGen C4539798, MONDO:0033204, OMIM 617577.

Allele frequency attached by ClinVar (database versions not stated): gnomAD exomes 0.00002 and 0.00001; gnomAD 0.00005; ExAC 0.00003; TOPMed 0.00005; 1000 Genomes Project 30x 0.00016; 1000 Genomes Project 0.00020.
gnomAD v4.1: 25 of 1,613,890 alleles (0.0015%); highest among the groups gnomAD compares: East Asian, 0.022%; no homozygotes.

Submissions (2):

Labcorp Genetics (formerly Invitae), Labcorp
Classification: Uncertain significance for Ciliary dyskinesia, primary, 37; Spermatogenic failure 18. Last evaluated: 2025-04-17. Review status: criteria provided, single submitter. Criteria: Invitae Variant Classification Sherloc (09022015). Collection method: clinical testing. Allele origin: germline.
Comment: This sequence change replaces leucine, which is neutral and non-polar, with phenylalanine, which is neutral and non-polar, at codon 784 of the DNAH1 protein (p.Leu784Phe). This variant is present in population databases (rs147836376, gnomAD 0.02%). This variant has not been reported in the literature in individuals affected with DNAH1-related conditions. ClinVar contains an entry for this variant (Variation ID: 1366408). Invitae Evidence Modeling of protein sequence and biophysical properties (such as structural, functional, and spatial information, amino acid conservation, physicochemical variation, residue mobility, and thermodynamic stability) indicates that this missense variant is not expected to disrupt DNAH1 protein function with a negative predictive value of 80%. In summary, the available evidence is currently insufficient to determine the role of this variant in disease. Therefore, it has been classified as a Variant of Uncertain Significance.

Ambry Genetics
Classification: Uncertain significance. Last evaluated: 2024-08-26. Review status: criteria provided, single submitter. Criteria: Ambry Variant Classification Scheme 2023. Collection method: clinical testing. Allele origin: germline.